The following is an entry in ClinVar:

ClinVar aggregate classification (germline): Uncertain significance. Review status: criteria provided, multiple submitters, no conflicts (2 of 4 stars). 3 submissions from 3 submitters: Uncertain significance (3). Last evaluated 2024-10-21.

Conditions:
Bent bone dysplasia syndrome 1 (BBDS1). Also called: FGFR2-related bent bone dysplasia. Identifiers: Orphanet 313855, MedGen C3281247, MONDO:0013815, OMIM 614592.
Familial scaphocephaly syndrome, McGillivray type. Also called: SCAPHOCEPHALY, MAXILLARY RETRUSION, AND IMPAIRED INTELLECTUAL DEVELOPMENT. Identifiers: Orphanet 168624, MedGen C1865070, MONDO:0012307, OMIM 609579.
Crouzon syndrome. Also called: CRANIOFACIAL DYSOSTOSIS, TYPE I; Craniofacial dysostosis type 1; Crouzon craniofacial dysostosis; Crouzon disease; Craniofacial dysostosis. Identifiers: Orphanet 207, MedGen C0010273, MeSH D003394, MONDO:0007405, OMIM 123500, HP:0004439.
Beare-Stevenson cutis gyrata syndrome (BSTVS). Identifiers: Orphanet 1555, MedGen C1852406, MONDO:0007412, OMIM 123790.
Gastric cancer. Also called: Stomach cancer; Malignant tumor of stomach. Identifiers: MedGen C0024623, MeSH D013274, MONDO:0001056, OMIM 613659, HP:0012126.
Acrocephalosyndactyly type I (ACS1). Also called: Apert syndrome; Acrocephalo-syndactyly type 1; ACS 1; Syndactylic oxycephaly. Identifiers: Orphanet 87, MedGen C0001193, MONDO:0007041, OMIM 101200.
Jackson-Weiss syndrome (JWS). Also called: CRANIOSYNOSTOSIS, MIDFACIAL HYPOPLASIA, AND FOOT ABNORMALITIES. Identifiers: Orphanet 1540, MedGen C0795998, MONDO:0007400, OMIM 123150. Disease mechanism: loss of function.
Antley-Bixler syndrome without genital anomalies or disordered steroidogenesis (ABS2). Also called: MULTISYNOSTOTIC OSTEODYSGENESIS WITH LONG BONE FRACTURES; Antley-Bixler Syndrome, Autosomal Dominant; Trapezoidocephaly synostosis syndrome; Osteodysgenesis, multisynostotic with fractures. Identifiers: Orphanet 596008, Orphanet 83, MedGen C2936791, MONDO:0020667, OMIM 207410.
Saethre-Chotzen syndrome (SCS). Also called: ACROCEPHALY, SKULL ASYMMETRY, AND MILD SYNDACTYLY; ACS III; CHOTZEN SYNDROME. Identifiers: Orphanet 794, MedGen C0175699, MONDO:0007042, OMIM 101400.
LADD syndrome 1 (LADD1). Also called: Lacrimoauriculodentodigital syndrome 1. Identifiers: MedGen C5774323, MONDO:0100302, OMIM 149730.
Pfeiffer syndrome (ACS5). Also called: ACS V. Identifiers: Orphanet 710, MedGen C0220658, MONDO:0007043, OMIM 101600.
FGFR2-related craniosynostosis. Identifiers: MedGen CN231480.

Allele frequency attached by ClinVar (database versions not stated): TOPMed below 0.00001; gnomAD exomes 0.00002; ExAC 0.00009.
gnomAD v4.1: 12 of 1,614,078 alleles (0.00074%); highest among the groups gnomAD compares: Admixed American, 0.02%; no homozygotes.

Submissions (3):

Labcorp Genetics (formerly Invitae), Labcorp
Classification: Uncertain significance for FGFR2-related craniosynostosis. Last evaluated: 2024-10-21. Review status: criteria provided, single submitter. Criteria: Invitae Variant Classification Sherloc (09022015). Collection method: clinical testing. Allele origin: germline.
Comment: This sequence change replaces lysine, which is basic and polar, with glutamine, which is neutral and polar, at codon 751 of the FGFR2 protein (p.Lys751Gln). This variant is present in population databases (rs757501816, gnomAD 0.03%). This variant has not been reported in the literature in individuals affected with FGFR2-related conditions. Invitae Evidence Modeling of protein sequence and biophysical properties (such as structural, functional, and spatial information, amino acid conservation, physicochemical variation, residue mobility, and thermodynamic stability) indicates that this missense variant is not expected to disrupt FGFR2 protein function with a negative predictive value of 80%. In summary, the available evidence is currently insufficient to determine the role of this variant in disease. Therefore, it has been classified as a Variant of Uncertain Significance.

Fulgent Genetics
Classification: Uncertain significance for Acrocephalosyndactyly type I; Saethre-Chotzen syndrome; Pfeiffer syndrome; Jackson-Weiss syndrome; Crouzon syndrome; Beare-Stevenson cutis gyrata syndrome; LADD syndrome 1; Antley-Bixler syndrome without genital anomalies or disordered steroidogenesis; Familial scaphocephaly syndrome, McGillivray type; Gastric cancer; Bent bone dysplasia syndrome 1. Last evaluated: 2024-04-20. Review status: criteria provided, single submitter. Criteria: ACMG Guidelines, 2015. Collection method: clinical testing. Allele origin: germline.

GeneDx
Classification: Uncertain significance. Last evaluated: 2023-11-29. Review status: criteria provided, single submitter. Criteria: GeneDx Variant Classification Process June 2021. Collection method: clinical testing. Allele origin: germline. Affected: yes.
Comment: In silico analysis supports that this missense variant has a deleterious effect on protein structure/function; Has not been previously published as pathogenic or benign to our knowledge

NM_000141.5(FGFR2):c.2251A>C (p.Lys751Gln)

Gene: FGFR2 (fibroblast growth factor receptor 2; minus strand). Cytogenetic location: 10q26.13.
Variant type: single nucleotide variant.
Coding change: c.2251A>C on transcript NM_000141.5 (MANE Select); coding-DNA position 2251, A replaced by C.
Protein change: p.Lys751Gln; replaces lysine 751 with glutamine.
Molecular consequence: missense variant. On other transcripts: non-coding transcript variant (1).
Genome position (GRCh38, 1-based): chr10:121,483,748, T>G on the plus strand (A>C on the coding strand, the complement: FGFR2 is on the minus strand). VCF-style: chr10-121483748-T-G. GRCh37 (hg19) VCF-style: chr10-123243262-T-G.
Other names: c.2254A>C, p.Lys752Gln (NM_001144913.1, NM_022970.4); c.1915A>C, p.Lys639Gln (NM_001144914.1); c.1984A>C, p.Lys662Gln (NM_001144915.2, NM_023029.3); c.1906A>C, p.Lys636Gln (NM_001144916.2); c.1903A>C, p.Lys635Gln (NM_001144917.2); c.1900A>C, p.Lys634Gln (NM_001144918.2); c.1987A>C, p.Lys663Gln (NM_001144919.2); c.1567A>C, p.Lys523Gln (NM_001320654.2); and 1 more; short protein forms K634Q, K662Q, K639Q, K751Q, K752Q, K523Q, K636Q, K635Q.
Identifiers: ClinVar variation 2728040 (VCV002728040.5), dbSNP rs757501816, ClinGen allele CA5720520.